The following is an entry in ClinVar:

ClinVar aggregate classification (germline): Uncertain significance (1 of 4 stars; one submission).

Conditions:
Baller-Gerold syndrome (BGS). Also called: CRANIOSYNOSTOSIS WITH RADIAL DEFECTS. Identifiers: Orphanet 1225, MedGen C0265308, MONDO:0009039, OMIM 218600.

Submission:

Labcorp Genetics (formerly Invitae), Labcorp
Classification: Uncertain significance for Baller-Gerold syndrome. Last evaluated: 2023-10-14. Review status: criteria provided, single submitter. Criteria: Invitae Variant Classification Sherloc (09022015). Collection method: clinical testing. Allele origin: germline.
Comment: This sequence change replaces leucine, which is neutral and non-polar, with arginine, which is basic and polar, at codon 885 of the RECQL4 protein (p.Leu885Arg). This variant is not present in population databases (gnomAD no frequency). This variant has not been reported in the literature in individuals affected with RECQL4-related conditions. Advanced modeling of protein sequence and biophysical properties (such as structural, functional, and spatial information, amino acid conservation, physicochemical variation, residue mobility, and thermodynamic stability) performed at Invitae indicates that this missense variant is not expected to disrupt RECQL4 protein function. In summary, the available evidence is currently insufficient to determine the role of this variant in disease. Therefore, it has been classified as a Variant of Uncertain Significance.

NM_004260.4(RECQL4):c.2654T>G (p.Leu885Arg)

Gene: RECQL4 (RecQ like helicase 4; minus strand). Cytogenetic location: 8q24.3.
Variant type: single nucleotide variant.
Coding change: c.2654T>G on transcript NM_004260.4 (MANE Select); coding-DNA position 2654, T replaced by G.
Protein change: p.Leu885Arg; replaces leucine 885 with arginine.
Molecular consequence: missense variant. On other transcripts: non-coding transcript variant (3).
Genome position (GRCh38, 1-based): chr8:144,512,948, A>C on the plus strand (T>G on the coding strand, the complement: RECQL4 is on the minus strand). VCF-style: chr8-144512948-A-C. GRCh37 (hg19) VCF-style: chr8-145738331-A-C.
Other names: c.1517T>G, p.Leu506Arg (NM_001413032.1, NM_001413030.1, NM_001413041.1 and 1 more transcripts); c.2522T>G, p.Leu841Arg (NM_001413033.1); c.1583T>G, p.Leu528Arg (NM_001413034.1, NM_001413028.1, NM_001413035.1 and 5 more transcripts); c.2303T>G, p.Leu768Arg (NM_001413029.1); c.1385T>G, p.Leu462Arg (NM_001413031.1, NM_001413038.1); c.2654T>G, p.Leu885Arg (NM_001413036.1, NM_001413019.1); c.1451T>G, p.Leu484Arg (NM_001413037.1); c.2624T>G, p.Leu875Arg (NM_001413039.1); and 6 more; short protein forms L506R, L528R, L853R, L885R, L462R, L484R, L819R, L396R.
Identifiers: ClinVar variation 2734398 (VCV002734398.3), dbSNP rs2537998940, ClinGen allele CA372675599.